The following is an entry in ClinVar:

ClinVar aggregate classification (germline): Likely pathogenic (1 of 4 stars; one submission).

Conditions:
Deficiency of alpha-mannosidase (MANSA). Also called: Mannosidosis, alpha-, types I and II; LYSOSOMAL ALPHA-D-MANNOSIDASE DEFICIENCY; Alpha-Mannosidosis. Identifiers: Orphanet 61, MedGen C0024748, MONDO:0009561, OMIM 248500.

Submission:

Myriad Genetics, Inc.
Classification: Likely pathogenic for Deficiency of alpha-mannosidase. Last evaluated: 2022-03-20. Review status: criteria provided, single submitter. Criteria: Myriad Women's Health Autosomal Recessive and X-Linked Classification Criteria (2021). Collection method: clinical testing. Allele origin: unknown.
Comment: NM_000528.3(MAN2B1):c.2636_2637ins8(N880Pfs*47) is expected to be pathogenic in the context of alpha-mannosidosis. This variant is predicted to lead to an abnormal or absent protein product due to the creation of a premature termination codon in MAN2B1, a gene where loss-of-function variants are known to be pathogenic. Please note: this variant was assessed in the context of healthy population screening.

NM_000528.4(MAN2B1):c.2636_2637insTCCCAACT (p.Asn880fs)

Gene: MAN2B1 (mannosidase alpha class 2B member 1; minus strand). Cytogenetic location: 19p13.13.
Variant type: Insertion.
Coding change: c.2636_2637insTCCCAACT on transcript NM_000528.4 (MANE Select); coding-DNA positions 2636 to 2637, TCCCAACT inserted.
Protein change: p.Asn880fs; shifts the reading frame from asparagine 880.
Molecular consequence: frameshift variant.
Genome position: GRCh38 VCF-style: chr19-12648202-G-GAGTTGGGA. GRCh37 (hg19) VCF-style: chr19-12759016-G-GAGTTGGGA.
Other names: c.2633_2634insTCCCAACT, p.Asn879fs (NM_001173498.2); short protein forms N879fs, N880fs.
Identifiers: ClinVar variation 1725414 (VCV001725414.2), dbSNP rs2512486342, ClinGen allele CA2580096665.
Genomic context (GRCh38, chr19:12,648,202, plus strand): 5'-CCGGTCCTCTCTGCCTACCCCGCTGCCCCTCACCTGCGTGCGCGGAGGAGCCCCGAGATT[G>GAGTTGGGA]TAGGCGGCGCCGCCACCCGGGGCCAGCACCACCTGAGGGGCCAGGACCTCCTGCTCCGCC-3'